The following is an entry in ClinVar:

NM_000501.4(ELN):c.2013C>A (p.Ala671=)

Gene: ELN (elastin; plus strand). Cytogenetic location: 7q11.23.
Variant type: single nucleotide variant.
Coding change: c.2013C>A on transcript NM_000501.4 (MANE Select); coding-DNA position 2013, C replaced by A.
Protein change: p.Ala671=; no amino-acid change (alanine 671 retained).
Molecular consequence: synonymous variant.
Genome position (GRCh38, 1-based): chr7:74,065,713, C>A. VCF-style: chr7-74065713-C-A. GRCh37 (hg19) VCF-style: chr7-73480043-C-A.
Other names: c.1926C>A, p.Ala642= (NM_001081752.3); c.1971C>A, p.Ala657= (NM_001081753.3); c.2028C>A, p.Ala676= (NM_001081754.3); c.1956C>A, p.Ala652= (NM_001081755.3); c.2013C>A, p.Ala671= (NM_001278912.2); c.1770C>A, p.Ala590= (NM_001278913.2); c.1941C>A, p.Ala647= (NM_001278914.2); c.2031C>A, p.Ala677= (NM_001278915.2); and 4 more.
Identifiers: ClinVar variation 3046239 (VCV003046239.2), dbSNP rs888990771, ClinGen allele CA455887432.
Genomic context (GRCh38, chr7:74,065,713, plus strand): 5'-GCATTGGCATTCCTGAGCCGTCATGTGCCTCATCTCCCCAGGTATACCTCCAGCTGCAGC[C>A]GCTAAAGCAGCTAAATACGGTGAGTTCCCCTCTGATGCCTTCCTGCCAGTGGCCTGCACC-3'
Protein context (NP_000492.2, residues 661-681): GGLGGIPPAA[Ala671=]AKAAKYGAAG

ClinVar aggregate classification (germline): Likely benign (0 of 4 stars; one submission).

Conditions:
ELN-related disorder.

Submission:

PreventionGenetics, part of Exact Sciences
Classification: Likely benign for ELN-related condition. Last evaluated: 2019-10-15. Review status: no assertion criteria provided. Collection method: clinical testing. Allele origin: germline.
Comment: This variant is classified as likely benign based on ACMG/AMP sequence variant interpretation guidelines (Richards et al. 2015 PMID: 25741868, with internal and published modifications).